The following is an entry in ClinVar:

NM_000138.5(FBN1):c.3016G>A (p.Glu1006Lys)

Gene: FBN1 (fibrillin 1; minus strand). Cytogenetic location: 15q21.1.
Variant type: single nucleotide variant.
Coding change: c.3016G>A on transcript NM_000138.5 (MANE Select); coding-DNA position 3016, G replaced by A.
Protein change: p.Glu1006Lys; replaces glutamic acid 1006 with lysine.
Molecular consequence: missense variant.
Genome position (GRCh38, 1-based): chr15:48,489,917, C>T on the plus strand (G>A on the coding strand, the complement: FBN1 is on the minus strand). VCF-style: chr15-48489917-C-T. GRCh37 (hg19) VCF-style: chr15-48782114-C-T.
Other names: short protein forms E1006K.
Identifiers: ClinVar variation 921753 (VCV000921753.11), dbSNP rs754040534, ClinGen allele CA049574.
Genomic context (GRCh38, chr15:48,489,917, plus strand): 5'-AGAAAGGCTTTCCATTTGTAATTTCTTTTGTGGCAAATCCGGGTCCTCTCGGACACAGCT[C>T]CTCGTACTCAGGAGTATTTCTCATGGGACACTCCTCGCATTCCTCAGTACCCCAGGCTGC-3'
Protein context (NP_000129.3, residues 996-1016): CPMRNTPEYE[Glu1006Lys]LCPRGPGFAT

ClinVar aggregate classification (germline): Conflicting classifications of pathogenicity. Review status: criteria provided, conflicting classifications (1 of 4 stars). 4 submissions from 4 submitters: Uncertain significance (2); Benign (1); Likely benign (1). Last evaluated 2025-08-06.

Conditions:
Marfan syndrome (MFS). Also called: Marfan syndrome, classic; Marfan syndrome type 1; Marfan's syndrome; FBN1-Related Marfan Syndrome; MARFAN SYNDROME, TYPE I. Identifiers: Orphanet 284963, Orphanet 558, MedGen C0024796, MONDO:0007947, OMIM 154700.
Familial thoracic aortic aneurysm and aortic dissection (TAAD). Also called: Thoracic aortic aneurysms and dissections. Identifiers: Orphanet 91387, MedGen C4707243, MONDO:0019625.

Allele frequency attached by ClinVar (database versions not stated): TOPMed below 0.00001; gnomAD exomes 0.00004 and 0.00002; gnomAD below 0.00001 and 0.00002; ExAC 0.00004.
gnomAD v4.1: 38 of 1,614,044 alleles (0.0024%); highest among the groups gnomAD compares: South Asian, 0.041%; 1 homozygote.

Submissions (4):

Labcorp Genetics (formerly Invitae), Labcorp
Classification: Benign for Marfan syndrome; Familial thoracic aortic aneurysm and aortic dissection. Last evaluated: 2025-08-06. Review status: criteria provided, single submitter. Criteria: Invitae Variant Classification Sherloc (09022015). Collection method: clinical testing. Allele origin: germline.

Women's Health and Genetics/Laboratory Corporation of America, LabCorp
Classification: Likely benign. Last evaluated: 2025-02-06. Review status: criteria provided, single submitter. Criteria: LabCorp Variant Classification Summary - May 2015. Collection method: clinical testing. Allele origin: germline.
Comment: Variant summary: FBN1 c.3016G>A (p.Glu1006Lys) results in a conservative amino acid change located in the TGF-beta binding (TB) domain of the encoded protein sequence. Five of five in-silico tools predict a benign effect of the variant on protein function. The variant allele was found at a frequency of 4e-05 in 251456 control chromosomes, predominantly at a frequency of 0.00033 within the South Asian subpopulation in the gnomAD database. The observed variant frequency within South Asian control individuals in the gnomAD database is approximately 3 fold of the estimated maximal expected allele frequency for a pathogenic variant in FBN1 causing Marfan Syndrome phenotype (0.00011). To our knowledge, no occurrence of c.3016G>A in individuals affected with Marfan Syndrome and no experimental evidence demonstrating its impact on protein function have been reported. ClinVar contains an entry for this variant (Variation ID: 921753). Based on the evidence outlined above, the variant was classified as likely benign.

All of Us Research Program, National Institutes of Health
Classification: Uncertain significance for Marfan syndrome. Last evaluated: 2023-06-26. Review status: criteria provided, single submitter. Criteria: ACMG Guidelines, 2015. Collection method: clinical testing. Allele origin: germline. Inheritance: Autosomal dominant inheritance. Observed: 1 variant allele, 1 heterozygote.
Comment: This missense variant replaces glutamic acid with lysine at codon 1006 of the FBN1 protein. Computational prediction suggests that this variant may not impact protein structure and function (internally defined REVEL score threshold <= 0.5, PMID: 27666373). To our knowledge, functional studies have not been reported for this variant. This variant has not been reported in individuals affected with cardiovascular disorders in the literature. This variant has been identified in 10/251456 chromosomes in the general population by the Genome Aggregation Database (gnomAD). The available evidence is insufficient to determine the role of this variant in disease conclusively. Therefore, this variant is classified as a Variant of Uncertain Significance.

This study involves interpretation of variants in research participants for the purpose of population health screening. Participant phenotype was not available at the time of variant classification. Additional details can be found in publication PMID: 35346344, PMCID: PMC8962531

Color Diagnostics, LLC DBA Color Health
Classification: Uncertain significance for Familial thoracic aortic aneurysm and aortic dissection. Last evaluated: 2022-10-18. Review status: criteria provided, single submitter. Criteria: ACMG Guidelines, 2015. Collection method: clinical testing. Allele origin: germline.
Comment: This missense variant replaces glutamic acid with lysine at codon 1006 of the FBN1 protein. Computational prediction suggests that this variant may not impact protein structure and function (internally defined REVEL score threshold <= 0.5, PMID: 27666373). To our knowledge, functional studies have not been reported for this variant. This variant has not been reported in individuals affected with cardiovascular disorders in the literature. This variant has been identified in 10/251456 chromosomes in the general population by the Genome Aggregation Database (gnomAD). The available evidence is insufficient to determine the role of this variant in disease conclusively. Therefore, this variant is classified as a Variant of Uncertain Significance.